The following is an entry in ClinVar:

ClinVar aggregate classification (germline): Uncertain significance. Review status: criteria provided, multiple submitters, no conflicts (2 of 4 stars). 4 submissions from 4 submitters: Uncertain significance (4). Last evaluated 2025-11-20.

Conditions:
Inborn genetic diseases. Identifiers: MedGen C0950123, MeSH D030342.
Neonatal-onset encephalopathy with rigidity and seizures. Also called: Lethal neonatal spasticity-epileptic encephalopathy syndrome. Identifiers: Orphanet 435845, MedGen C3281029, MONDO:0013784, OMIM 614498.

Allele frequency attached by ClinVar (database versions not stated): gnomAD 0.00002 and 0.00003; TOPMed 0.00003.
gnomAD v4.1: 16 of 1,613,866 alleles (0.00099%); highest among the groups gnomAD compares: East Asian, 0.0045%; no homozygotes.

Submissions (4):

Ambry Genetics
Classification: Uncertain significance for Inborn genetic diseases. Last evaluated: 2025-11-20. Review status: criteria provided, single submitter. Criteria: Ambry Variant Classification Scheme 2023. Collection method: clinical testing. Allele origin: germline.

Labcorp Genetics (formerly Invitae), Labcorp
Classification: Uncertain significance for Neonatal-onset encephalopathy with rigidity and seizures. Last evaluated: 2022-09-07. Review status: criteria provided, single submitter. Criteria: Invitae Variant Classification Sherloc (09022015). Collection method: clinical testing. Allele origin: germline.
Comment: This sequence change replaces valine, which is neutral and non-polar, with methionine, which is neutral and non-polar, at codon 47 of the BRAT1 protein (p.Val47Met). This variant is present in population databases (rs769700664, gnomAD 0.01%). This variant has not been reported in the literature in individuals affected with BRAT1-related conditions. ClinVar contains an entry for this variant (Variation ID: 1057637). Algorithms developed to predict the effect of missense changes on protein structure and function (SIFT, PolyPhen-2, Align-GVGD) all suggest that this variant is likely to be tolerated. In summary, the available evidence is currently insufficient to determine the role of this variant in disease. Therefore, it has been classified as a Variant of Uncertain Significance.

ARUP Laboratories, Molecular Genetics and Genomics, ARUP Laboratories
Classification: Uncertain significance. Last evaluated: 2021-09-08. Review status: criteria provided, single submitter. Criteria: ARUP Molecular Germline Variant Investigation Process 2021. Collection method: clinical testing. Allele origin: germline.

GeneDx
Classification: Uncertain significance. Last evaluated: 2019-04-30. Review status: criteria provided, single submitter. Criteria: GeneDx Variant Classification Process June 2021. Collection method: clinical testing. Allele origin: germline. Affected: yes.
Comment: Not observed at a significant frequency in large population cohorts (Lek et al., 2016); In silico analysis, which includes protein predictors and evolutionary conservation, supports that this variant does not alter protein structure/function; Has not been previously published as pathogenic or benign to our knowledge

NM_152743.4(BRAT1):c.139G>A (p.Val47Met)

Gene: BRAT1 (BRCA1 associated ATM activator 1; minus strand). Cytogenetic location: 7p22.3.
Variant type: single nucleotide variant.
Coding change: c.139G>A on transcript NM_152743.4 (MANE Select); coding-DNA position 139, G replaced by A.
Protein change: p.Val47Met; replaces valine 47 with methionine.
Molecular consequence: missense variant. On other transcripts: 5 prime UTR variant (1), non-coding transcript variant (1).
Genome position (GRCh38, 1-based): chr7:2,547,467, C>T on the plus strand (G>A on the coding strand, the complement: BRAT1 is on the minus strand). VCF-style: chr7-2547467-C-T. GRCh37 (hg19) VCF-style: chr7-2587101-C-T.
Other names: c.139G>A, p.Val47Met (NM_001350626.2); c.-239G>A (NM_001350627.2); short protein forms V47M.
Identifiers: ClinVar variation 1057637 (VCV001057637.13), dbSNP rs769700664, ClinGen allele CA4128295.